The following is an entry in ClinVar:

ClinVar aggregate classification (germline): Conflicting classifications of pathogenicity. Review status: criteria provided, conflicting classifications (1 of 4 stars). 7 submissions from 7 submitters: Uncertain significance (6); Benign (1). Last evaluated 2026-01-25.

Conditions:
AXIN2-related disorder.
Colorectal cancer. Also called: Colorectal cancer, somatic; Malignant Colorectal Neoplasm. Identifiers: MedGen C0346629, MONDO:0005575, OMIM 114500.
Oligodontia-cancer predisposition syndrome. Also called: TOOTH AGENESIS-COLORECTAL CANCER SYNDROME. Identifiers: Orphanet 300576, MedGen C1837750, MONDO:0012075, OMIM 608615. Disease mechanism: loss of function.
Hereditary cancer-predisposing syndrome. Also called: Hereditary Cancer Syndrome; Tumor predisposition; Hereditary neoplastic syndrome; Neoplastic Syndromes, Hereditary. Identifiers: Orphanet 140162, MedGen C0027672, MeSH D009386, MONDO:0015356.

Allele frequency attached by ClinVar (database versions not stated): gnomAD exomes 0.00002; ExAC 0.00003; gnomAD 0.00011 and 0.00012; TOPMed 0.00012; ESP Exome Variant Server 0.00015.
gnomAD v4.1: 46 of 1,614,092 alleles (0.0028%); highest among the groups gnomAD compares: African/African-American, 0.045%; 1 homozygote.

Submissions (7):

Labcorp Genetics (formerly Invitae), Labcorp
Classification: Uncertain significance for Oligodontia-cancer predisposition syndrome. Last evaluated: 2026-01-25. Review status: criteria provided, single submitter. Criteria: Invitae Variant Classification Sherloc (09022015). Collection method: clinical testing. Allele origin: germline.
Comment: This sequence change replaces proline, which is neutral and non-polar, with serine, which is neutral and polar, at codon 740 of the AXIN2 protein (p.Pro740Ser). This variant is present in population databases (rs370503213, gnomAD 0.04%). This variant has not been reported in the literature in individuals affected with AXIN2-related conditions. ClinVar contains an entry for this variant (Variation ID: 422840). An algorithm developed to predict the effect of missense changes on protein structure and function (PolyPhen-2) suggests that this variant is likely to be tolerated. In summary, the available evidence is currently insufficient to determine the role of this variant in disease. Therefore, it has been classified as a Variant of Uncertain Significance.

PreventionGenetics, part of Exact Sciences
Classification: Uncertain significance for AXIN2-related condition. Last evaluated: 2025-09-08. Review status: criteria provided, single submitter. Criteria: ACMG Guidelines, 2015. Collection method: clinical testing. Allele origin: germline.
Comment: The AXIN2 c.2218C>T variant is predicted to result in the amino acid substitution p.Pro740Ser. To our knowledge, this variant has not been reported in the literature. This variant is reported in 0.032% of alleles in individuals of African descent in gnomAD and has conflicting interpretations in ClinVar ranging from benign to uncertain (Variation ID: 422840). Although we suspect that this variant may be benign, at this time, the clinical significance of this variant is uncertain due to the absence of conclusive functional and genetic evidence.

GeneDx
Classification: Uncertain significance. Last evaluated: 2025-02-26. Review status: criteria provided, single submitter. Criteria: GeneDx Variant Classification Process June 2021. Collection method: clinical testing. Allele origin: germline. Affected: yes.
Comment: In silico analysis indicates that this missense variant does not alter protein structure/function; Has not been previously published as pathogenic or benign to our knowledge

Ambry Genetics
Classification: Benign for Hereditary cancer-predisposing syndrome. Last evaluated: 2024-10-28. Review status: criteria provided, single submitter. Criteria: Ambry Variant Classification Scheme 2023. Collection method: clinical testing. Allele origin: germline.

Fulgent Genetics
Classification: Uncertain significance for Colorectal cancer; Oligodontia-cancer predisposition syndrome. Last evaluated: 2024-06-17. Review status: criteria provided, single submitter. Criteria: ACMG Guidelines, 2015. Collection method: clinical testing. Allele origin: germline.

St. Jude Molecular Pathology, St. Jude Children's Research Hospital
Classification: Uncertain significance for Oligodontia-cancer predisposition syndrome. Last evaluated: 2023-10-18. Review status: criteria provided, single submitter. Criteria: St. Jude Assertion Criteria 2020. Collection method: clinical testing. Allele origin: germline.
Comment: The AXIN2 c.2218C>T (p.Pro740Ser) change has a maximum subpopulation frequency of 0.032% in gnomAD v2.1.1. The in silico tool REVEL predicts a benign effect on protein function, but to our knowledge this prediction has not been confirmed by functional studies. To our knowledge, this variant has not been reported in the literature in individuals with oligodontia-cancer predisposition syndrome. In summary, the evidence currently available is insufficient to determine the clinical significance of this variant. It has therefore been classified as of uncertain significance.

Quest Diagnostics Nichols Institute San Juan Capistrano
Classification: Uncertain significance. Last evaluated: 2023-07-21. Review status: criteria provided, single submitter. Criteria: Quest Diagnostics criteria. Collection method: clinical testing. Allele origin: unknown.
Comment: To the best of our knowledge, this variant has not been reported in individuals with AXIN2-related conditions in the published literature. The frequency of this variant in the general population, 0.00032 (8/24956 chromosomes in African/African American subpopulation (Genome Aggregation Database)), is higher than would generally be expected for pathogenic variants in this gene. Analysis of this variant using bioinformatics tools for the prediction of the effect of amino acid changes on protein structure and function yielded predictions that this variant is benign. Based on the available information, we are unable to determine the clinical significance of this variant.

NM_004655.4(AXIN2):c.2218C>T (p.Pro740Ser)

Gene: AXIN2 (axin 2; minus strand). Cytogenetic location: 17q24.1.
Variant type: single nucleotide variant.
Coding change: c.2218C>T on transcript NM_004655.4 (MANE Select); coding-DNA position 2218, C replaced by T.
Protein change: p.Pro740Ser; replaces proline 740 with serine.
Molecular consequence: missense variant.
Genome position (GRCh38, 1-based): chr17:65,535,645, G>A on the plus strand (C>T on the coding strand, the complement: AXIN2 is on the minus strand). VCF-style: chr17-65535645-G-A. GRCh37 (hg19) VCF-style: chr17-63531763-G-A.
Other names: c.2218C>T (LRG_296t1); c.2023C>T, p.Pro675Ser (NM_001363813.1); short protein forms P740S, P675S.
Identifiers: ClinVar variation 422840 (VCV000422840.27), dbSNP rs370503213, ClinGen allele CA8718373.